The following is an entry in ClinVar:

NM_002519.3(NPAT):c.341G>T (p.Arg114Ile)

Gene: NPAT (nuclear protein, coactivator of histone transcription; minus strand). Cytogenetic location: 11q22.3.
Variant type: single nucleotide variant.
Coding change: c.341G>T on transcript NM_002519.3 (MANE Select); coding-DNA position 341, G replaced by T.
Protein change: p.Arg114Ile; replaces arginine 114 with isoleucine.
Molecular consequence: missense variant.
Genome position (GRCh38, 1-based): chr11:108,189,321, C>A on the plus strand (G>T on the coding strand, the complement: NPAT is on the minus strand). VCF-style: chr11-108189321-C-A. GRCh37 (hg19) VCF-style: chr11-108060048-C-A.
Other names: c.341G>T, p.Arg114Ile (NM_001321307.1); short protein forms R114I.
Identifiers: ClinVar variation 1731250 (VCV001731250.2), dbSNP rs2496745972, ClinGen allele CA382525509.

ClinVar aggregate classification (germline): Uncertain significance (1 of 4 stars; one submission).

Submission:

Ambry Genetics
Classification: Uncertain significance. Last evaluated: 2021-12-10. Review status: criteria provided, single submitter. Criteria: Ambry Variant Classification Scheme 2023. Collection method: clinical testing. Allele origin: germline.
Comment: The p.R114I variant (also known as c.341G>T), located in coding exon 6 of the NPAT gene, results from a G to T substitution at nucleotide position 341. The arginine at codon 114 is replaced by isoleucine, an amino acid with similar properties. This amino acid position is conserved. In addition, the in silico prediction for this alteration is inconclusive. Since supporting evidence is limited at this time, the clinical significance of this alteration remains unclear.